The following is an entry in ClinVar:

NM_001365999.1(SZT2):c.9419C>T (p.Ala3140Val)

Gene: SZT2 (SZT2 subunit of KICSTOR complex; plus strand). Cytogenetic location: 1p34.2.
Variant type: single nucleotide variant.
Coding change: c.9419C>T on transcript NM_001365999.1 (MANE Select); coding-DNA position 9419, C replaced by T.
Protein change: p.Ala3140Val; replaces alanine 3140 with valine.
Molecular consequence: missense variant.
Genome position (GRCh38, 1-based): chr1:43,447,677, C>T. VCF-style: chr1-43447677-C-T. GRCh37 (hg19) VCF-style: chr1-43913348-C-T.
Other names: c.9248C>T, p.Ala3083Val (NM_015284.4); short protein forms A3083V, A3140V.
Identifiers: ClinVar variation 4976417 (VCV004976417.1).

ClinVar aggregate classification (germline): Uncertain significance (1 of 4 stars; one submission).

gnomAD v4.1: 14 of 1,614,026 alleles (0.00087%); highest among the groups gnomAD compares: Non-Finnish European, 0.0011%; no homozygotes.

Submission:

GeneDx
Classification: Uncertain significance. Last evaluated: 2026-02-10. Review status: criteria provided, single submitter. Criteria: GeneDx Variant Classification Process June 2021. Collection method: clinical testing. Allele origin: germline.
Comment: Not observed at significant frequency in large population cohorts (gnomAD); In silico analysis suggests that this missense variant does not alter protein structure/function; Has not been previously published as pathogenic or benign to our knowledge